The following is an entry in ClinVar:

NM_003055.3(SLC18A3):c.1584C>T (p.Tyr528=)

Genes: CHAT (choline O-acetyltransferase; plus strand), SLC18A3 (solute carrier family 18 member A3; plus strand). Cytogenetic location: 10q11.23.
Variant type: single nucleotide variant.
Coding change: c.1584C>T on transcript NM_003055.3 (MANE Select); coding-DNA position 1584, C replaced by T.
Protein change: p.Tyr528=; no amino-acid change (tyrosine 528 retained).
Molecular consequence: synonymous variant. On other transcripts: intron variant (1).
Genome position (GRCh38, 1-based): chr10:49,612,324, C>T. VCF-style: chr10-49612324-C-T. GRCh37 (hg19) VCF-style: chr10-50820370-C-T.
Other names: p.Tyr528=; c.-69+3125C>T (NM_020984.4).
Identifiers: ClinVar variation 1628461 (VCV001628461.9), dbSNP rs77758906, ClinGen allele CA5496997.

ClinVar aggregate classification (germline): Benign. Review status: criteria provided, multiple submitters, no conflicts (2 of 4 stars). 3 submissions from 3 submitters: Benign (3). Last evaluated 2026-02-02.

Allele frequency attached by ClinVar (database versions not stated): 1000 Genomes Project 0.00559; gnomAD exomes 0.01444 and 0.01987; ESP Exome Variant Server 0.01512; 1000 Genomes Project 30x 0.00578; TOPMed 0.01325; gnomAD 0.01563 and 0.01486; ExAC 0.01455.
gnomAD v4.1: 30,714 of 1,592,442 alleles (1.9%); highest among the groups gnomAD compares: Non-Finnish European, 2.3%; 341 homozygotes.

Submissions (3):

Labcorp Genetics (formerly Invitae), Labcorp
Classification: Benign. Last evaluated: 2026-02-02. Review status: criteria provided, single submitter. Criteria: Invitae Variant Classification Sherloc (09022015). Collection method: clinical testing. Allele origin: germline.

Mayo Clinic Laboratories, Mayo Clinic
Classification: Benign. Last evaluated: 2023-02-27. Review status: criteria provided, single submitter. Criteria: ACMG Guidelines, 2015. Collection method: clinical testing. Allele origin: germline. Observed: 14 variant alleles.
Comment: BS1, BS2, BP4, BP7

Breakthrough Genomics
Classification: Benign. Review status: criteria provided, single submitter. Criteria: ACMG Guidelines, 2015. Collection method: not provided. Allele origin: germline. Inheritance: Autosomal recessive inheritance. Affected: yes.